The following is an entry in ClinVar:

ClinVar aggregate classification (germline): Uncertain significance (1 of 4 stars; one submission).

Conditions:
Fanconi anemia (FA). Also called: Fanconi's anemia. Identifiers: Orphanet 84, MedGen C0015625, MeSH D005199, MONDO:0019391.

Submission:

Labcorp Genetics (formerly Invitae), Labcorp
Classification: Uncertain significance for Fanconi anemia. Last evaluated: 2023-05-20. Review status: criteria provided, single submitter. Criteria: Invitae Variant Classification Sherloc (09022015). Collection method: clinical testing. Allele origin: unknown.
Comment: This variant is a gross deletion of the genomic region encompassing exon(s) 7 of the FANCC gene. This variant would be expected to be in-frame, preserving the integrity of the reading frame. This variant has not been reported in the literature in individuals affected with FANCC-related conditions. Experimental studies and prediction algorithms are not available or were not evaluated, and the functional significance of this variant is currently unknown. In summary, the available evidence is currently insufficient to determine the role of this variant in disease. Therefore, it has been classified as a Variant of Uncertain Significance.

NC_000009.11:g.(?_97912185)_(97912389_?)del

Gene: FANCC (FA complementation group C; minus strand). Cytogenetic location: 9q22.32.
Variant type: Deletion.
Identifiers: ClinVar variation 3245062 (VCV003245062.1).